The following is an entry in ClinVar:

NM_004268.5(MED17):c.638-2A>C

Gene: MED17 (mediator complex subunit 17; plus strand). Cytogenetic location: 11q21.
Variant type: single nucleotide variant.
Coding change: c.638-2A>C on transcript NM_004268.5 (MANE Select); the canonical splice acceptor site of the intron before coding-DNA position 638, A replaced by C.
Molecular consequence: splice acceptor variant.
Genome position (GRCh38, 1-based): chr11:93,793,726, A>C. VCF-style: chr11-93793726-A-C. GRCh37 (hg19) VCF-style: chr11-93526892-A-C.
Identifiers: ClinVar variation 2838715 (VCV002838715.3), dbSNP rs2497527392, ClinGen allele CA382355640.

ClinVar aggregate classification (germline): Likely pathogenic (1 of 4 stars; one submission).

Allele frequency attached by ClinVar (database versions not stated): gnomAD exomes below 0.00001.
gnomAD v4.1: 3 of 1,554,598 alleles (0.00019%); highest among the groups gnomAD compares: Non-Finnish European, 0.00027%; no homozygotes.

Submission:

Labcorp Genetics (formerly Invitae), Labcorp
Classification: Likely pathogenic. Last evaluated: 2023-02-18. Review status: criteria provided, single submitter. Criteria: Invitae Variant Classification Sherloc (09022015). Collection method: clinical testing. Allele origin: germline.
Comment: In summary, the currently available evidence indicates that the variant is pathogenic, but additional data are needed to prove that conclusively. Therefore, this variant has been classified as Likely Pathogenic. Algorithms developed to predict the effect of sequence changes on RNA splicing suggest that this variant may disrupt the consensus splice site. This variant has not been reported in the literature in individuals affected with MED17-related conditions. This variant is not present in population databases (gnomAD no frequency). This sequence change affects an acceptor splice site in intron 3 of the MED17 gene. It is expected to disrupt RNA splicing. Variants that disrupt the donor or acceptor splice site typically lead to a loss of protein function (PMID: 16199547), and loss-of-function variants in MED17 are known to be pathogenic (PMID: 20950787, 26004231, 30345598).

Literature cited by the submitters: PubMed 16199547; PubMed 20950787; PubMed 26004231; PubMed 30345598.